The following is an entry in ClinVar:

ClinVar aggregate classification (germline): Uncertain significance. Review status: criteria provided, multiple submitters, no conflicts (2 of 4 stars). 6 submissions from 6 submitters: Uncertain significance (4). 2 of the submissions do not count toward it. Last evaluated 2024-07-29.

Conditions:
Hereditary cancer-predisposing syndrome. Also called: Hereditary Cancer Syndrome; Neoplastic Syndromes, Hereditary; Tumor predisposition; Hereditary neoplastic syndrome. Identifiers: Orphanet 140162, MedGen C0027672, MeSH D009386, MONDO:0015356.
Familial cancer of breast. Also called: BREAST CANCER, FAMILIAL; Hereditary breast cancer; hereditary breast carcinoma. Identifiers: Orphanet 227535, MedGen C0346153, MONDO:0016419, OMIM 114480. Disease mechanism: loss of function.
Ataxia-telangiectasia syndrome (AT). Also called: Cerebello-oculocutaneous telangiectasia; Immunodeficiency with ataxia telangiectasia; Ataxia-telangiectasia, complementation group E; Ataxia-telangiectasia, complementation group D; AT, COMPLEMENTATION GROUP C; ATAXIA-TELANGIECTASIA, COMPLEMENTATION GROUP A. Identifiers: Orphanet 100, MedGen C0004135, MONDO:0008840, OMIM 208900.

Allele frequency attached by ClinVar (database versions not stated): TOPMed below 0.00001; gnomAD 0.00001.
gnomAD v4.1: 1 of 1,613,444 alleles (0.000062%); highest among the groups gnomAD compares: Non-Finnish European, 0.000085%; no homozygotes.

Submissions (6):

Ambry Genetics
Classification: Uncertain significance for Hereditary cancer-predisposing syndrome. Last evaluated: 2024-07-29. Review status: criteria provided, single submitter. Criteria: Ambry Variant Classification Scheme 2023. Collection method: clinical testing. Allele origin: germline.
Comment: The p.I2861V variant (also known as c.8581A>G), located in coding exon 57 of the ATM gene, results from an A to G substitution at nucleotide position 8581. The isoleucine at codon 2861 is replaced by valine, an amino acid with highly similar properties. This variant has been reported in individuals with breast and pancreatic cancers (Takai E et al. Oncotarget, 2016 Nov;7:74227-74235; Hauke J et al. Cancer Med, 2018 Apr;7:1349-1358; Pereira JZ et al. Mol Biol Rep, 2022 Oct;49:9509-9520). This amino acid position is highly conserved in available vertebrate species. In addition, the in silico prediction for this alteration is inconclusive. Since supporting evidence is limited at this time, the clinical significance of this alteration remains unclear.

Baylor Genetics
Classification: Uncertain significance for Familial cancer of breast. Last evaluated: 2023-05-28. Review status: criteria provided, single submitter. Criteria: ACMG Guidelines, 2015. Collection method: clinical testing. Allele origin: unknown.

Labcorp Genetics (formerly Invitae), Labcorp
Classification: Uncertain significance for Ataxia-telangiectasia syndrome. Last evaluated: 2021-11-17. Review status: criteria provided, single submitter. Criteria: Invitae Variant Classification Sherloc (09022015). Collection method: clinical testing. Allele origin: germline.
Comment: This sequence change replaces isoleucine, which is neutral and non-polar, with valine, which is neutral and non-polar, at codon 2861 of the ATM protein (p.Ile2861Val). This variant is not present in population databases (gnomAD no frequency). This missense change has been observed in individual(s) with pancreatic ductal adenocarcinoma (PMID: 27732944). ClinVar contains an entry for this variant (Variation ID: 552836). Algorithms developed to predict the effect of missense changes on protein structure and function (SIFT, PolyPhen-2, Align-GVGD) all suggest that this variant is likely to be disruptive. In summary, the available evidence is currently insufficient to determine the role of this variant in disease. Therefore, it has been classified as a Variant of Uncertain Significance.

Color Diagnostics, LLC DBA Color Health
Classification: Uncertain significance for Hereditary cancer-predisposing syndrome. Last evaluated: 2019-03-14. Review status: criteria provided, single submitter. Criteria: ACMG Guidelines, 2015. Collection method: clinical testing. Allele origin: germline.

Natera, Inc.
Classification: Uncertain significance for Ataxia-telangiectasia. Last evaluated: 2021-05-10. Review status: no assertion criteria provided. Collection method: clinical testing. Allele origin: germline. Not counted in ClinVar's aggregate classification.

Counsyl
Classification: Uncertain significance for Ataxia-telangiectasia syndrome. Last evaluated: 2017-07-11. Review status: no assertion criteria provided. Collection method: clinical testing. Allele origin: unknown. Not counted in ClinVar's aggregate classification.

Literature cited by the submitters: PubMed 27732944 (cited by Ambry Genetics and Labcorp Genetics (formerly Invitae), Labcorp); PubMed 29522266 (cited by Ambry Genetics); PubMed 35980532 (cited by Ambry Genetics).

NM_000051.4(ATM):c.8581A>G (p.Ile2861Val)

Genes: ATM (ATM serine/threonine kinase; plus strand), C11orf65 (chromosome 11 open reading frame 65; minus strand). Cytogenetic location: 11q22.3.
Variant type: single nucleotide variant.
Coding change: c.8581A>G on transcript NM_000051.4 (MANE Select); coding-DNA position 8581, A replaced by G.
Protein change: p.Ile2861Val; replaces isoleucine 2861 with valine.
Molecular consequence: missense variant. On other transcripts: intron variant (2).
Genome position (GRCh38, 1-based): chr11:108,345,905, A>G. VCF-style: chr11-108345905-A-G. GRCh37 (hg19) VCF-style: chr11-108216632-A-G.
Other names: c.8581A>G, p.Ile2861Val (NM_001351834.2); c.641-36834T>C (NM_001330368.2); c.695-10613T>C (NM_001351110.2); short protein forms I2861V.
Identifiers: ClinVar variation 552836 (VCV000552836.27), dbSNP rs1555138472, ClinGen allele CA382518779.